The following is an entry in ClinVar:

ClinVar aggregate classification (germline): Uncertain significance (1 of 4 stars; one submission).

Conditions:
Visceral myopathy 2. Identifiers: MedGen C5543466, MONDO:0859157, OMIM 619350.
Megacystis-microcolon-intestinal hypoperistalsis syndrome 2. Identifiers: MedGen C5543476, MONDO:0025708, OMIM 619351.
Aortic aneurysm, familial thoracic 4 (AAT4). Also called: AORTIC ANEURYSM/AORTIC DISSECTION AND PATENT DUCTUS ARTERIOSUS. Identifiers: MedGen C1851504, MONDO:0007568, OMIM 132900.

Submission:

Juno Genomics, Hangzhou Juno Genomics, Inc
Classification: Uncertain significance for Visceral myopathy 2; Aortic aneurysm, familial thoracic 4; Megacystis-microcolon-intestinal hypoperistalsis syndrome 2. Review status: criteria provided, single submitter. Criteria: ACMG Guidelines, 2015. Collection method: clinical testing. Allele origin: germline.
Comment: Absent from controls (or at extremely low frequency if recessive) in Genome Aggregation Database.;Missense variant in a gene that has a low rate of benign missense variation.;Multiple lines of computational evidence support a deleterious effect on the gene or gene product.

NM_002474.3(MYH11):c.3073C>T (p.Leu1025Phe)

Gene: MYH11 (myosin heavy chain 11; minus strand). Cytogenetic location: 16p13.11.
Variant type: single nucleotide variant.
Coding change: c.3073C>T on transcript NM_002474.3 (MANE Select); coding-DNA position 3073, C replaced by T.
Protein change: p.Leu1025Phe; replaces leucine 1025 with phenylalanine.
Molecular consequence: missense variant.
Genome position (GRCh38, 1-based): chr16:15,738,613, G>A on the plus strand (C>T on the coding strand, the complement: MYH11 is on the minus strand). VCF-style: chr16-15738613-G-A. GRCh37 (hg19) VCF-style: chr16-15832470-G-A.
Other names: c.3094C>T, p.Leu1032Phe (NM_001040113.2, NM_001040114.2); c.3073C>T, p.Leu1025Phe (NM_022844.3); short protein forms L1025F, L1032F.
Identifiers: ClinVar variation 5019118 (VCV005019118.3).